The following is an entry in ClinVar:

NM_001098511.3(KIF2A):c.2020A>G (p.Ile674Val)

Gene: KIF2A (kinesin family member 2A; plus strand). Cytogenetic location: 5q12.1.
Variant type: single nucleotide variant.
Coding change: c.2020A>G on transcript NM_001098511.3 (MANE Select); coding-DNA position 2020, A replaced by G.
Protein change: p.Ile674Val; replaces isoleucine 674 with valine.
Molecular consequence: missense variant.
Genome position (GRCh38, 1-based): chr5:62,381,124, A>G. VCF-style: chr5-62381124-A-G. GRCh37 (hg19) VCF-style: chr5-61676951-A-G.
Other names: c.1825A>G, p.Ile609Val (NM_001243952.2); c.1849A>G, p.Ile617Val (NM_001243953.2); c.1906A>G, p.Ile636Val (NM_004520.5); short protein forms I609V, I674V, I617V, I636V.
Identifiers: ClinVar variation 2978598 (VCV002978598.3), dbSNP rs763258220, ClinGen allele CA3279105.

ClinVar aggregate classification (germline): Uncertain significance (1 of 4 stars; one submission).

Allele frequency attached by ClinVar (database versions not stated): ExAC 0.00001; gnomAD exomes 0.00001.
gnomAD v4.1: 12 of 1,610,576 alleles (0.00075%); highest among the groups gnomAD compares: South Asian, 0.0011%; no homozygotes.

Submission:

Labcorp Genetics (formerly Invitae), Labcorp
Classification: Uncertain significance. Last evaluated: 2023-06-18. Review status: criteria provided, single submitter. Criteria: Invitae Variant Classification Sherloc (09022015). Collection method: clinical testing. Allele origin: germline.
Comment: This variant has not been reported in the literature in individuals affected with KIF2A-related conditions. This sequence change replaces isoleucine, which is neutral and non-polar, with valine, which is neutral and non-polar, at codon 674 of the KIF2A protein (p.Ile674Val). This variant is present in population databases (rs763258220, gnomAD 0.0009%). An algorithm developed to predict the effect of missense changes on protein structure and function (PolyPhen-2) suggests that this variant is likely to be tolerated. In summary, the available evidence is currently insufficient to determine the role of this variant in disease. Therefore, it has been classified as a Variant of Uncertain Significance.